The following is an entry in ClinVar:

ClinVar aggregate classification (germline): Conflicting classifications of pathogenicity. Review status: criteria provided, conflicting classifications (1 of 4 stars). 2 submissions from 2 submitters: Uncertain significance (1); Likely benign (1). Last evaluated 2025-07-29.

Conditions:
EGFR-related lung cancer (EGFR). Identifiers: MedGen CN130014.
Hereditary cancer-predisposing syndrome. Also called: Hereditary neoplastic syndrome; Tumor predisposition; Hereditary Cancer Syndrome; Neoplastic Syndromes, Hereditary. Identifiers: Orphanet 140162, MedGen C0027672, MeSH D009386, MONDO:0015356.

Submissions (2):

Ambry Genetics
Classification: Likely benign for Hereditary cancer-predisposing syndrome. Last evaluated: 2025-07-29. Review status: criteria provided, single submitter. Criteria: Ambry Variant Classification Scheme 2023. Collection method: clinical testing. Allele origin: germline.

Labcorp Genetics (formerly Invitae), Labcorp
Classification: Uncertain significance for EGFR-related lung cancer. Last evaluated: 2022-01-07. Review status: criteria provided, single submitter. Criteria: Invitae Variant Classification Sherloc (09022015). Collection method: clinical testing. Allele origin: germline.
Comment: This variant is not present in population databases (gnomAD no frequency). In summary, the available evidence is currently insufficient to determine the role of this variant in disease. Therefore, it has been classified as a Variant of Uncertain Significance. Algorithms developed to predict the effect of missense changes on protein structure and function (SIFT, PolyPhen-2, Align-GVGD) all suggest that this variant is likely to be tolerated. This variant has not been reported in the literature in individuals affected with EGFR-related conditions. This sequence change replaces histidine, which is basic and polar, with tyrosine, which is neutral and polar, at codon 615 of the EGFR protein (p.His615Tyr).

NM_005228.5(EGFR):c.1843C>T (p.His615Tyr)

Gene: EGFR (epidermal growth factor receptor; plus strand). Cytogenetic location: 7p11.2.
Variant type: single nucleotide variant.
Coding change: c.1843C>T on transcript NM_005228.5 (MANE Select); coding-DNA position 1843, C replaced by T.
Protein change: p.His615Tyr; replaces histidine 615 with tyrosine.
Molecular consequence: missense variant.
Genome position (GRCh38, 1-based): chr7:55,165,400, C>T. VCF-style: chr7-55165400-C-T. GRCh37 (hg19) VCF-style: chr7-55233093-C-T.
Other names: c.1708C>T, p.His570Tyr (NM_001346897.2, NM_001346899.2); c.1843C>T, p.His615Tyr (NM_001346898.2, NM_201282.2, NM_201284.2); c.1684C>T, p.His562Tyr (NM_001346900.2); c.1042C>T, p.His348Tyr (NM_001346941.2); short protein forms H570Y, H348Y, H615Y, H562Y.
Identifiers: ClinVar variation 1953064 (VCV001953064.6), dbSNP rs2128946456, ClinGen allele CA367581052.